The following is an entry in ClinVar:

ClinVar aggregate classification (germline): Uncertain significance. Review status: criteria provided, multiple submitters, no conflicts (2 of 4 stars). 2 submissions from 2 submitters: Uncertain significance (2). Last evaluated 2022-07-16.

Conditions:
Fanconi anemia complementation group G. Also called: Fanconi anemia group G; FANCG-Related Fanconi Anemia. Identifiers: Orphanet 84, MedGen C3469527, MONDO:0013565, OMIM 614082.
Fanconi anemia (FA). Also called: Fanconi's anemia. Identifiers: Orphanet 84, MedGen C0015625, MeSH D005199, MONDO:0019391.

Allele frequency attached by ClinVar (database versions not stated): gnomAD exomes below 0.00001.

Submissions (2):

Labcorp Genetics (formerly Invitae), Labcorp
Classification: Uncertain significance for Fanconi anemia. Last evaluated: 2022-07-16. Review status: criteria provided, single submitter. Criteria: Invitae Variant Classification Sherloc (09022015). Collection method: clinical testing. Allele origin: germline.
Comment: This sequence change replaces leucine, which is neutral and non-polar, with proline, which is neutral and non-polar, at codon 483 of the FANCG protein (p.Leu483Pro). This variant is not present in population databases (gnomAD no frequency). This variant has not been reported in the literature in individuals affected with FANCG-related conditions. ClinVar contains an entry for this variant (Variation ID: 914243). Algorithms developed to predict the effect of missense changes on protein structure and function (SIFT, PolyPhen-2, Align-GVGD) all suggest that this variant is likely to be disruptive. In summary, the available evidence is currently insufficient to determine the role of this variant in disease. Therefore, it has been classified as a Variant of Uncertain Significance.

Illumina Laboratory Services, Illumina
Classification: Uncertain significance for Fanconi anemia complementation group G. Last evaluated: 2018-01-12. Review status: criteria provided, single submitter. Criteria: ICSL Variant Classification Criteria 13 December 2019. Collection method: clinical testing. Allele origin: germline.

NM_004629.2(FANCG):c.1448T>C (p.Leu483Pro)

Gene: FANCG (FA complementation group G; minus strand). Cytogenetic location: 9p13.3.
Variant type: single nucleotide variant.
Coding change: c.1448T>C on transcript NM_004629.2 (MANE Select); coding-DNA position 1448, T replaced by C.
Protein change: p.Leu483Pro; replaces leucine 483 with proline.
Molecular consequence: missense variant.
Genome position (GRCh38, 1-based): chr9:35,075,311, A>G on the plus strand (T>C on the coding strand, the complement: FANCG is on the minus strand). VCF-style: chr9-35075311-A-G. GRCh37 (hg19) VCF-style: chr9-35075308-A-G.
Other names: short protein forms L483P.
Identifiers: ClinVar variation 914243 (VCV000914243.8), dbSNP rs1829061760, ClinGen allele CA373305966.